The following is an entry in ClinVar:

ClinVar aggregate classification (germline): Uncertain significance. Review status: criteria provided, multiple submitters, no conflicts (2 of 4 stars). 2 submissions from 2 submitters: Uncertain significance (2). Last evaluated 2024-12-05.

Conditions:
Hereditary cancer-predisposing syndrome. Also called: Neoplastic Syndromes, Hereditary; Tumor predisposition; Hereditary Cancer Syndrome; Hereditary neoplastic syndrome. Identifiers: Orphanet 140162, MedGen C0027672, MeSH D009386, MONDO:0015356.

Submissions (2):

Ambry Genetics
Classification: Uncertain significance for Hereditary cancer-predisposing syndrome. Last evaluated: 2024-12-05. Review status: criteria provided, single submitter. Criteria: Ambry Variant Classification Scheme 2023. Collection method: clinical testing. Allele origin: germline.
Comment: The p.S1087F variant (also known as c.3260C>T), located in coding exon 26 of the POLE gene, results from a C to T substitution at nucleotide position 3260. The serine at codon 1087 is replaced by phenylalanine, an amino acid with highly dissimilar properties. This amino acid position is well conserved in available vertebrate species. In addition, the in silico prediction for this alteration is inconclusive. Based on the available evidence, the clinical significance of this variant remains unclear.

Labcorp Genetics (formerly Invitae), Labcorp
Classification: Uncertain significance. Last evaluated: 2024-03-06. Review status: criteria provided, single submitter. Criteria: Invitae Variant Classification Sherloc (09022015). Collection method: clinical testing. Allele origin: germline.
Comment: This sequence change replaces serine, which is neutral and polar, with phenylalanine, which is neutral and non-polar, at codon 1087 of the POLE protein (p.Ser1087Phe). This variant is not present in population databases (gnomAD no frequency). This variant has not been reported in the literature in individuals affected with POLE-related conditions. Advanced modeling of protein sequence and biophysical properties (such as structural, functional, and spatial information, amino acid conservation, physicochemical variation, residue mobility, and thermodynamic stability) performed at Invitae indicates that this missense variant is not expected to disrupt POLE protein function with a negative predictive value of 80%. In summary, the available evidence is currently insufficient to determine the role of this variant in disease. Therefore, it has been classified as a Variant of Uncertain Significance.

NM_006231.4(POLE):c.3260C>T (p.Ser1087Phe)

Gene: POLE (DNA polymerase epsilon, catalytic subunit; minus strand). Cytogenetic location: 12q24.33.
Variant type: single nucleotide variant.
Coding change: c.3260C>T on transcript NM_006231.4 (MANE Select); coding-DNA position 3260, C replaced by T.
Protein change: p.Ser1087Phe; replaces serine 1087 with phenylalanine.
Molecular consequence: missense variant.
Genome position (GRCh38, 1-based): chr12:132,659,310, G>A on the plus strand (C>T on the coding strand, the complement: POLE is on the minus strand). VCF-style: chr12-132659310-G-A. GRCh37 (hg19) VCF-style: chr12-133235896-G-A.
Other names: short protein forms S1087F.
Identifiers: ClinVar variation 3422096 (VCV003422096.3).
Genomic context (GRCh38, chr12:132,659,310, plus strand): 5'-TGATGGGAGGAGCCCTCACCTCTCCGTGATGGGGGGAGCCCTCACCTCTCCGTGACAGGG[G>A]AGCCCTCGGGCTTGCGGGAGATGATGTAGCGGCAACTCAGCCCTGCATCCTTGACCATCT-3'
Protein context (NP_006222.2, residues 1077-1097): RYIISRKPEG[Ser1087Phe]PVTERAIPLA